The following is an entry in ClinVar:

ClinVar aggregate classification (germline): Uncertain significance (1 of 4 stars; one submission).

Conditions:
Cardiovascular phenotype. Identifiers: MedGen CN230736.

Submission:

Ambry Genetics
Classification: Uncertain significance for Cardiovascular phenotype. Last evaluated: 2025-02-26. Review status: criteria provided, single submitter. Criteria: Ambry Variant Classification Scheme 2023. Collection method: clinical testing. Allele origin: germline.
Comment: The c.960+4dupA intronic variant is located 4 nucleotide after coding exon 8 of the MAP2K1 gene. This variant results from a duplication of one nucleotide at position c.960+4. This nucleotide position is well conserved in available vertebrate species. In silico splice site analysis predicts that this alteration will not have any significant effect on splicing. Based on the available evidence, the clinical significance of this variant remains unclear.

NM_002755.4(MAP2K1):c.960+4dup

Gene: MAP2K1 (mitogen-activated protein kinase kinase 1; plus strand). Cytogenetic location: 15q22.31.
Variant type: Duplication.
Coding change: c.960+4dup on transcript NM_002755.4 (MANE Select); 4 bases into the intron after coding-DNA position 960, one base duplicated (A; older notation c.960+4dupA).
Molecular consequence: intron variant.
Genome position (GRCh38, 1-based): chr15:66,487,296, A duplicated; the last of 2 consecutive A bases (chr15:66,487,295-66,487,296); duplicating either gives the same sequence. VCF-style (leftmost placement, unchanged base first): chr15-66487294-T-TA. GRCh37 (hg19) VCF-style: chr15-66779632-T-TA.
Other names: c.816+4dup (NM_001411065.1).
Identifiers: ClinVar variation 3870092 (VCV003870092.1).